The following is an entry in ClinVar:

ClinVar aggregate classification (germline): Likely pathogenic (1 of 4 stars; one submission).

Conditions:
Hermansky-Pudlak syndrome 3 (HPS3). Identifiers: Orphanet 231512, Orphanet 79430, MedGen C3888001, MONDO:0013555, OMIM 614072.

Submission:

Myriad Genetics, Inc.
Classification: Likely pathogenic for Hermansky-Pudlak syndrome 3. Last evaluated: 2022-01-21. Review status: criteria provided, single submitter. Criteria: Myriad Women's Health Autosomal Recessive and X-Linked Classification Criteria (2021). Collection method: clinical testing. Allele origin: unknown.
Comment: NM_032383.3(HPS3):c.855delA(K285Nfs*56) is expected to be pathogenic in the context of Hermansky-Pudlak syndrome type 3. This variant is predicted to lead to an abnormal or absent protein product due to the creation of a premature termination codon in HPS3, a gene where loss-of-function variants are known to be pathogenic. Please note: this variant was assessed in the context of healthy population screening.

NM_032383.5(HPS3):c.855del (p.Lys285fs)

Gene: HPS3 (HPS3 biogenesis of lysosomal organelles complex 2 subunit 1; plus strand). Cytogenetic location: 3q24.
Variant type: Deletion.
Coding change: c.855del on transcript NM_032383.5 (MANE Select); coding-DNA position 855, one base deleted (A; older notation c.855delA).
Protein change: p.Lys285fs; shifts the reading frame from lysine 285.
Molecular consequence: frameshift variant.
Genome position (GRCh38, 1-based): chr3:149,141,159, A deleted; the last of 4 consecutive A bases (chr3:149,141,156-149,141,159); deleting any one gives the same sequence. VCF-style (leftmost placement, unchanged base first): chr3-149141155-GA-G. GRCh37 (hg19) VCF-style: chr3-148858942-GA-G.
Other names: c.360del, p.Lys120fs (NM_001308258.2); short protein forms K120fs, K285fs.
Identifiers: ClinVar variation 1723981 (VCV001723981.2), dbSNP rs2473072769, ClinGen allele CA2580068912.